The following is an entry in ClinVar:

ClinVar aggregate classification (germline): Uncertain significance (1 of 4 stars; one submission).

Submission:

Ambry Genetics
Classification: Uncertain significance. Last evaluated: 2024-08-22. Review status: criteria provided, single submitter. Criteria: Ambry Variant Classification Scheme 2023. Collection method: clinical testing. Allele origin: germline.
Comment: The p.G79S variant (also known as c.235G>A), located in coding exon 1 of the GALNT12 gene, results from a G to A substitution at nucleotide position 235. The glycine at codon 79 is replaced by serine, an amino acid with similar properties. This amino acid position is conserved. In addition, the in silico prediction for this alteration is inconclusive. Since supporting evidence is limited at this time, the clinical significance of this alteration remains unclear.

NM_024642.5(GALNT12):c.235G>A (p.Gly79Ser)

Gene: GALNT12 (polypeptide N-acetylgalactosaminyltransferase 12; plus strand). Cytogenetic location: 9q22.33.
Variant type: single nucleotide variant.
Coding change: c.235G>A on transcript NM_024642.5 (MANE Select); coding-DNA position 235, G replaced by A.
Protein change: p.Gly79Ser; replaces glycine 79 with serine.
Molecular consequence: missense variant.
Genome position (GRCh38, 1-based): chr9:98,807,933, G>A. VCF-style: chr9-98807933-G-A. GRCh37 (hg19) VCF-style: chr9-101570215-G-A.
Other names: short protein forms G79S.
Identifiers: ClinVar variation 1790137 (VCV001790137.3), dbSNP rs1588436285, ClinGen allele CA374222576.